The following is an entry in ClinVar:

ClinVar aggregate classification (germline): Pathogenic/Likely pathogenic. Review status: criteria provided, multiple submitters, no conflicts (2 of 4 stars). 2 submissions from 2 submitters: Pathogenic (1); Likely pathogenic (1). Last evaluated 2025-08-29.

Conditions:
Hypophosphatasia. Also called: Phosphoethanol-aminuria. Identifiers: Orphanet 436, MedGen C0020630, MeSH D007014, MONDO:0018570.

Submissions (2):

Genomenon, Inc
Classification: Pathogenic for Hypophosphatasia. Last evaluated: 2025-08-29. Review status: criteria provided, single submitter. Criteria: Genomenon Sequence Variant Interpretation Standards. Collection method: curation. Allele origin: germline. Affected: yes.
Comment: ALPL c.50C>T is a missense variant that changes the amino acid at residue 17 from Serine to Phenylalanine. This variant has been observed in at least one proband affected with hypophosphatasia (PMID:9781036). This variant has been observed in trans with a pathogenic variant (PMID:9781036). At least one functional study has demonstrated a substantial alteration in protein function relative to the wild-type (PMID:10332035). This variant is also reported as S-1F in the literature. It is absent or not present at a significant frequency in gnomAD. In silico models agree that this variant is possibly or probably damaging. In conclusion, we classify ALPL p.Ser17Phe (c.50C>T) as a pathogenic variant.

Natera, Inc.
Classification: Likely pathogenic for Hypophosphatasia. Last evaluated: 2024-12-23. Review status: criteria provided, single submitter. Criteria: Natera Variant Classification Schema (03/2026). Collection method: clinical testing. Allele origin: germline.
Comment: The c.50C>T variant in ALPL is a missense variant predicted to cause substitution of serine to phenylalanine at amino acid 17. This variant is rare in the general population with a frequency below the threshold expected for the associated phenotype(s). This variant has been observed in one or more individuals affected with the associated recessive disease, as either homozygous or compound heterozygous with a second variant (PMID: 30975772, 32973344). Functional studies show that this variant may disrupt protein function (PMID: 10332035). Computational prediction algorithms indicate this variant is likely to affect gene or protein function. Given the available evidence, this variant is classified as Likely Pathogenic.

Literature cited by the submitters: PubMed 9781036 (cited by Genomenon, Inc); PubMed 10332035 (cited by Genomenon, Inc and Natera, Inc.); PubMed 30975772 (cited by Natera, Inc.); PubMed 32973344 (cited by Natera, Inc.).

NM_000478.6(ALPL):c.50C>T (p.Ser17Phe)

Gene: ALPL (alkaline phosphatase, biomineralization associated; plus strand). Cytogenetic location: 1p36.12.
Variant type: single nucleotide variant.
Coding change: c.50C>T on transcript NM_000478.6 (MANE Select); coding-DNA position 50, C replaced by T.
Protein change: p.Ser17Phe; replaces serine 17 with phenylalanine.
Molecular consequence: missense variant. On other transcripts: intron variant (2).
Genome position (GRCh38, 1-based): chr1:21,554,131, C>T. VCF-style: chr1-21554131-C-T. GRCh37 (hg19) VCF-style: chr1-21880624-C-T.
Other names: c.50C>T (NM_000478.5); c.50C>T, p.Ser17Phe (NM_001369803.2, NM_001369804.2, NM_001369805.2); c.-104-6495C>T (NM_001127501.4); c.-54-6495C>T (NM_001177520.3); short protein forms S17F.
Identifiers: ClinVar variation 4086798 (VCV004086798.2).